The following is an entry in ClinVar:

NM_020458.4(TTC7A):c.1097C>T (p.Pro366Leu)

Gene: TTC7A (tetratricopeptide repeat domain 7A; plus strand). Cytogenetic location: 2p21.
Variant type: single nucleotide variant.
Coding change: c.1097C>T on transcript NM_020458.4 (MANE Select); coding-DNA position 1097, C replaced by T.
Protein change: p.Pro366Leu; replaces proline 366 with leucine.
Molecular consequence: missense variant.
Genome position (GRCh38, 1-based): chr2:47,005,953, C>T. VCF-style: chr2-47005953-C-T. GRCh37 (hg19) VCF-style: chr2-47233092-C-T.
Other names: c.1097C>T, p.Pro366Leu (NM_001288951.2); c.995C>T, p.Pro332Leu (NM_001288953.2); c.35C>T, p.Pro12Leu (NM_001288955.2); c.1097C>T (NM_020458.2); short protein forms P366L, P332L, P12L.
Identifiers: ClinVar variation 1348943 (VCV001348943.6), dbSNP rs772539826, ClinGen allele CA1647501.

ClinVar aggregate classification (germline): Uncertain significance. Review status: criteria provided, multiple submitters, no conflicts (2 of 4 stars). 2 submissions from 2 submitters: Uncertain significance (2). Last evaluated 2025-10-07.

Conditions:
Inborn genetic diseases. Identifiers: MedGen C0950123, MeSH D030342.
Multiple gastrointestinal atresias. Also called: Multiple intestinal atresia; FAMILIAL INTESTINAL POLYATRESIA SYNDROME. Identifiers: Orphanet 2300, MedGen C0220744, MONDO:0009465.

Allele frequency attached by ClinVar (database versions not stated): ExAC 0.00001; gnomAD exomes 0.00001; gnomAD 0.00001; TOPMed 0.00002.
gnomAD v4.1: 25 of 1,613,952 alleles (0.0015%); highest among the groups gnomAD compares: African/African-American, 0.0067%; no homozygotes.

Submissions (2):

Ambry Genetics
Classification: Uncertain significance for Inborn genetic diseases. Last evaluated: 2025-10-07. Review status: criteria provided, single submitter. Criteria: Ambry Variant Classification Scheme 2023. Collection method: clinical testing. Allele origin: germline.

Labcorp Genetics (formerly Invitae), Labcorp
Classification: Uncertain significance for Multiple gastrointestinal atresias. Last evaluated: 2021-08-26. Review status: criteria provided, single submitter. Criteria: Invitae Variant Classification Sherloc (09022015). Collection method: clinical testing. Allele origin: germline.
Comment: This sequence change replaces proline with leucine at codon 366 of the TTC7A protein (p.Pro366Leu). The proline residue is moderately conserved and there is a moderate physicochemical difference between proline and leucine. This variant is present in population databases (rs772539826, ExAC 0.001%). This variant has not been reported in the literature in individuals affected with TTC7A-related conditions. Algorithms developed to predict the effect of missense changes on protein structure and function are either unavailable or do not agree on the potential impact of this missense change (SIFT: "Deleterious"; PolyPhen-2: "Probably Damaging"; Align-GVGD: "Class C0"). In summary, the available evidence is currently insufficient to determine the role of this variant in disease. Therefore, it has been classified as a Variant of Uncertain Significance.